The following is an entry in ClinVar:

NM_001042492.3(NF1):c.7409dup (p.Asn2470fs)

Gene: NF1 (neurofibromin 1; plus strand). Cytogenetic location: 17q11.2.
Variant type: Duplication.
Coding change: c.7409dup on transcript NM_001042492.3 (MANE Select); coding-DNA position 7409, one base duplicated (A; older notation c.7409dupA).
Protein change: p.Asn2470fs; shifts the reading frame from asparagine 2470.
Molecular consequence: frameshift variant.
Genome position (GRCh38, 1-based): chr17:31,350,270, A duplicated; the last of 4 consecutive A bases (chr17:31,350,267-31,350,270); duplicating any one gives the same sequence. VCF-style (leftmost placement, unchanged base first): chr17-31350266-G-GA. GRCh37 (hg19) VCF-style: chr17-29677284-G-GA.
Other names: c.7346dupA (NM_000267.3); c.7346dup, p.Asn2449Lysfs (NM_000267.4); short protein forms N2449fs, N2470fs.
Identifiers: ClinVar variation 431692 (VCV000431692.5), dbSNP rs1135402906, ClinGen allele CA645373114.

ClinVar aggregate classification (germline): Pathogenic. Review status: criteria provided, single submitter (1 of 4 stars). 2 submissions from 2 submitters: Pathogenic (1). 1 of the submissions does not count toward it. Last evaluated 2024-11-26.

Conditions:
Neurofibromatosis, type 1 (NF1). Also called: Neurofibromatosis, type I; NEUROFIBROMATOSIS, TYPE I, SOMATIC; Peripheral type neurofibromatosis; VON RECKLINGHAUSEN DISEASE. Identifiers: Orphanet 636, MedGen C0027831, MONDO:0018975, OMIM 162200. Disease mechanism: loss of function.

Submissions (2):

Labcorp Genetics (formerly Invitae), Labcorp
Classification: Pathogenic for Neurofibromatosis, type 1. Last evaluated: 2024-11-26. Review status: criteria provided, single submitter. Criteria: Invitae Variant Classification Sherloc (09022015). Collection method: clinical testing. Allele origin: germline.
Comment: This sequence change creates a premature translational stop signal (p.Asn2449Lysfs*13) in the NF1 gene. It is expected to result in an absent or disrupted protein product. Loss-of-function variants in NF1 are known to be pathogenic (PMID: 10712197, 23913538). This variant is not present in population databases (gnomAD no frequency). This premature translational stop signal has been observed in individual(s) with neurofibromatosis type 1 (PMID: 25074460). ClinVar contains an entry for this variant (Variation ID: 431692). For these reasons, this variant has been classified as Pathogenic.

Medical Genetics, University of Parma
Classification: Pathogenic for Neurofibromatosis type 1. Last evaluated: 2017-02-02. Review status: no assertion criteria provided. Collection method: clinical testing. Allele origin: germline. Affected: yes. Not counted in ClinVar's aggregate classification.

Literature cited by the submitters: PubMed 10712197 (cited by Labcorp Genetics (formerly Invitae), Labcorp); PubMed 23913538 (cited by Labcorp Genetics (formerly Invitae), Labcorp); PubMed 25074460 (cited by Labcorp Genetics (formerly Invitae), Labcorp).